The following is an entry in ClinVar:

NM_020436.5(SALL4):c.1023G>A (p.Ser341=)

Gene: SALL4 (spalt like transcription factor 4; minus strand). Cytogenetic location: 20q13.2.
Variant type: single nucleotide variant.
Coding change: c.1023G>A on transcript NM_020436.5 (MANE Select); coding-DNA position 1023, G replaced by A.
Protein change: p.Ser341=; no amino-acid change (serine 341 retained).
Molecular consequence: synonymous variant.
Genome position (GRCh38, 1-based): chr20:51,791,460, C>T on the plus strand (G>A on the coding strand, the complement: SALL4 is on the minus strand). VCF-style: chr20-51791460-C-T. GRCh37 (hg19) VCF-style: chr20-50407999-C-T.
Other names: c.1023G>A, p.Ser341= (NM_001318031.2).
Identifiers: ClinVar variation 3031804 (VCV003031804.15), dbSNP rs750652460, ClinGen allele CA9912354.
Genomic context (GRCh38, chr20:51,791,460, plus strand): 5'-CCCCTTCCCTTTCTTGGATGTGTCTAGCGCCACAGTGGAGAAAGGGCTCTGGAAGAGCAC[C>T]GAGCCCGGGGCCTGAGGAAGCAAAGCGCTCGGGAGGCGGGACATGACGTTCGGGAGCACC-3'
Protein context (NP_065169.1, residues 331-351): PSALLPQAPG[Ser341=]VLFQSPFSTV

ClinVar aggregate classification (germline): Likely benign. Review status: criteria provided, single submitter (1 of 4 stars). 2 submissions from 2 submitters: Likely benign (1). 1 of the submissions does not count toward it. Last evaluated 2025-02-01.

Conditions:
SALL4-Related Disorders. Also called: SALL4-related condition; SALL4-related disorder. Identifiers: MedGen CN381056.

Allele frequency attached by ClinVar (database versions not stated): gnomAD 0.00001; TOPMed 0.00002; ExAC 0.00004.
gnomAD v4.1: 29 of 1,614,012 alleles (0.0018%); highest among the groups gnomAD compares: African/African-American, 0.0053%; no homozygotes.

Submissions (2):

CeGaT Center for Human Genetics Tuebingen
Classification: Likely benign. Last evaluated: 2025-02-01. Review status: criteria provided, single submitter. Criteria: CeGaT Center For Human Genetics Tuebingen Variant Classification Criteria Version 2. Collection method: clinical testing. Allele origin: germline. Affected: yes. Observed: 1 variant allele.
Comment: SALL4: BP4, BP7

PreventionGenetics, part of Exact Sciences
Classification: Likely benign for SALL4-related condition. Last evaluated: 2021-03-16. Review status: no assertion criteria provided. Collection method: clinical testing. Allele origin: germline. Not counted in ClinVar's aggregate classification.
Comment: This variant is classified as likely benign based on ACMG/AMP sequence variant interpretation guidelines (Richards et al. 2015 PMID: 25741868, with internal and published modifications).